The following is an entry in ClinVar:

ClinVar aggregate classification (germline): Uncertain significance. Review status: criteria provided, single submitter (1 of 4 stars). 2 submissions from 2 submitters: Uncertain significance (1). 1 of the submissions does not count toward it. Last evaluated 2022-10-13.

Conditions:
Autoimmune lymphoproliferative syndrome type 1. Also called: AUTOIMMUNE LYMPHOPROLIFERATIVE SYNDROME, TYPE I, AUTOSOMAL DOMINANT. Identifiers: Orphanet 3261, MedGen C2717884, MONDO:0011158, OMIM 601859.

Allele frequency attached by ClinVar (database versions not stated): TOPMed below 0.00001.
gnomAD v4.1: 33 of 1,614,000 alleles (0.002%); highest among the groups gnomAD compares: South Asian, 0.035%; no homozygotes.

Submissions (2):

Labcorp Genetics (formerly Invitae), Labcorp
Classification: Uncertain significance for Autoimmune lymphoproliferative syndrome. Last evaluated: 2022-10-13. Review status: criteria provided, single submitter. Criteria: Invitae Variant Classification Sherloc (09022015). Collection method: clinical testing. Allele origin: germline.
Comment: In summary, the available evidence is currently insufficient to determine the role of this variant in disease. Therefore, it has been classified as a Variant of Uncertain Significance. Advanced modeling of protein sequence and biophysical properties (such as structural, functional, and spatial information, amino acid conservation, physicochemical variation, residue mobility, and thermodynamic stability) has been performed at Invitae for this missense variant, however the output from this modeling did not meet the statistical confidence thresholds required to predict the impact of this variant on FAS protein function. ClinVar contains an entry for this variant (Variation ID: 806000). This missense change has been observed in individual(s) with primary immunodeficiency (PMID: 32888943). This variant is present in population databases (rs757780022, gnomAD 0.03%). This sequence change replaces proline, which is neutral and non-polar, with arginine, which is basic and polar, at codon 62 of the FAS protein (p.Pro62Arg).

Pediatric Oncology, Johns Hopkins University
Classification: Uncertain significance. Last evaluated: 2019-02-15. Review status: no assertion criteria provided. Collection method: clinical testing. Allele origin: somatic. Affected: no. Not counted in ClinVar's aggregate classification.

Literature cited by the submitters: PubMed 32888943 (cited by Labcorp Genetics (formerly Invitae), Labcorp).

NM_000043.6(FAS):c.185C>G (p.Pro62Arg)

Gene: FAS (Fas cell surface death receptor; plus strand). Cytogenetic location: 10q23.31.
Variant type: single nucleotide variant.
Coding change: c.185C>G on transcript NM_000043.6 (MANE Select); coding-DNA position 185, C replaced by G.
Protein change: p.Pro62Arg; replaces proline 62 with arginine.
Molecular consequence: missense variant. On other transcripts: non-coding transcript variant (7).
Genome position (GRCh38, 1-based): chr10:89,003,183, C>G. VCF-style: chr10-89003183-C-G. GRCh37 (hg19) VCF-style: chr10-90762940-C-G.
Other names: c.185C>G, p.Pro62Arg (NM_001320619.2, NM_152871.4, NM_152872.4); short protein forms P62R.
Identifiers: ClinVar variation 806000 (VCV000806000.6), dbSNP rs757780022, ClinGen allele CA5593042.